The following is an entry in ClinVar:

NM_175876.5(EXOC8):c.1866A>G (p.Lys622=)

Gene: EXOC8 (exocyst complex component 8; minus strand). Cytogenetic location: 1q42.2.
Variant type: single nucleotide variant.
Coding change: c.1866A>G on transcript NM_175876.5 (MANE Select); coding-DNA position 1866, A replaced by G.
Protein change: p.Lys622=; no amino-acid change (lysine 622 retained).
Molecular consequence: synonymous variant.
Genome position (GRCh38, 1-based): chr1:231,335,880, T>C on the plus strand (A>G on the coding strand, the complement: EXOC8 is on the minus strand). VCF-style: chr1-231335880-T-C. GRCh37 (hg19) VCF-style: chr1-231471626-T-C.
Identifiers: ClinVar variation 2640077 (VCV002640077.24), dbSNP rs1228254771, ClinGen allele CA424039050.

ClinVar aggregate classification (germline): Likely benign (1 of 4 stars; one submission).

Allele frequency attached by ClinVar (database versions not stated): gnomAD exomes below 0.00001.
gnomAD v4.1: 2 of 1,614,180 alleles (0.00012%); highest among the groups gnomAD compares: Non-Finnish European, 0.000085%; no homozygotes.

Submission:

CeGaT Center for Human Genetics Tuebingen
Classification: Likely benign. Last evaluated: 2022-05-01. Review status: criteria provided, single submitter. Criteria: CeGaT Center For Human Genetics Tuebingen Variant Classification Criteria Version 2. Collection method: clinical testing. Allele origin: germline. Affected: yes. Observed: 1 variant allele.
Comment: EXOC8: PM2:Supporting, BP4, BP7